The following is an entry in ClinVar:

NM_001195263.2(PDZD7):c.517A>C (p.Lys173Gln)

Gene: PDZD7 (PDZ domain containing 7; minus strand). Cytogenetic location: 10q24.31.
Variant type: single nucleotide variant.
Coding change: c.517A>C on transcript NM_001195263.2 (MANE Select); coding-DNA position 517, A replaced by C.
Protein change: p.Lys173Gln; replaces lysine 173 with glutamine.
Molecular consequence: missense variant.
Genome position (GRCh38, 1-based): chr10:101,023,461, T>G on the plus strand (A>C on the coding strand, the complement: PDZD7 is on the minus strand). VCF-style: chr10-101023461-T-G. GRCh37 (hg19) VCF-style: chr10-102783218-T-G.
Other names: c.517A>C, p.Lys173Gln (NM_001351044.2, NM_024895.5); short protein forms K173Q.
Identifiers: ClinVar variation 1017710 (VCV001017710.8), dbSNP rs1853241518, ClinGen allele CA378230525.

ClinVar aggregate classification (germline): Uncertain significance (1 of 4 stars; one submission).

Allele frequency attached by ClinVar (database versions not stated): gnomAD exomes below 0.00001.

Submission:

Labcorp Genetics (formerly Invitae), Labcorp
Classification: Uncertain significance. Last evaluated: 2022-02-08. Review status: criteria provided, single submitter. Criteria: Invitae Variant Classification Sherloc (09022015). Collection method: clinical testing. Allele origin: germline.
Comment: This sequence change replaces lysine, which is basic and polar, with glutamine, which is neutral and polar, at codon 173 of the PDZD7 protein (p.Lys173Gln). In summary, the available evidence is currently insufficient to determine the role of this variant in disease. Therefore, it has been classified as a Variant of Uncertain Significance. Algorithms developed to predict the effect of missense changes on protein structure and function are either unavailable or do not agree on the potential impact of this missense change (SIFT: "Deleterious"; PolyPhen-2: "Not Available"; Align-GVGD: "Class C0"). ClinVar contains an entry for this variant (Variation ID: 1017710). This variant has not been reported in the literature in individuals affected with PDZD7-related conditions. This variant is not present in population databases (gnomAD no frequency).